The following is an entry in ClinVar:

NM_000264.5(PTCH1):c.478C>T (p.Gln160Ter)

Gene: PTCH1 (patched 1; minus strand). Cytogenetic location: 9q22.32.
Variant type: single nucleotide variant.
Coding change: c.478C>T on transcript NM_000264.5 (MANE Select); coding-DNA position 478, C replaced by T.
Protein change: p.Gln160Ter; replaces glutamine 160 with a stop codon.
Molecular consequence: nonsense. On other transcripts: non-coding transcript variant (1).
Genome position (GRCh38, 1-based): chr9:95,485,791, G>A on the plus strand (C>T on the coding strand, the complement: PTCH1 is on the minus strand). VCF-style: chr9-95485791-G-A. GRCh37 (hg19) VCF-style: chr9-98248073-G-A.
Other names: c.280C>T, p.Gln94Ter (NM_001083602.3, NM_001354919.2); c.475C>T, p.Gln159Ter (NM_001083603.3); c.25C>T, p.Gln9Ter (NM_001083604.3, NM_001083605.3, NM_001083606.3 and 1 more transcripts); c.478C>T, p.Gln160Ter (NM_001354918.2); short protein forms Q94*, Q159*, Q9*, Q160*.
Identifiers: ClinVar variation 2735295 (VCV002735295.3), dbSNP rs2118545274, ClinGen allele CA374117007.
Genomic context (GRCh38, chr9:95,485,791, plus strand): 5'-CCAGGTGTTGTAGGAGCGCTTCTGTGGTCAGGACATTAGCACCTTCTTCTTTAGGGGTCT[G>A]TATCATGAGTTGAGGATTAAACATAGCCTCTTCTCCAATCTTCTGGCGAGTATAATTTAA-3'

ClinVar aggregate classification (germline): Pathogenic (1 of 4 stars; one submission).

Conditions:
Gorlin syndrome. Also called: Basal cell nevus syndrome; Nevoid Basal Cell Carcinoma Syndrome. Identifiers: Orphanet 377, MedGen C0004779, MONDO:0007187.

Submission:

Labcorp Genetics (formerly Invitae), Labcorp
Classification: Pathogenic for Gorlin syndrome. Last evaluated: 2024-05-15. Review status: criteria provided, single submitter. Criteria: Invitae Variant Classification Sherloc (09022015). Collection method: clinical testing. Allele origin: germline.
Comment: This sequence change creates a premature translational stop signal (p.Gln160*) in the PTCH1 gene. It is expected to result in an absent or disrupted protein product. Loss-of-function variants in PTCH1 are known to be pathogenic (PMID: 16301862, 16419085). This variant is not present in population databases (gnomAD no frequency). This premature translational stop signal has been observed in individual(s) with basal cell nevus syndrome (PMID: 16088933). For these reasons, this variant has been classified as Pathogenic.

Literature cited by the submitters: PubMed 16301862; PubMed 16419085; PubMed 16088933.